The following continues an entry in ClinVar:

NM_025114.4(CEP290):c.4723A>T (p.Lys1575Ter)

Gene: CEP290. ClinVar aggregate classification (germline): Pathogenic. Pathogenic (1).

Submissions 11 to 29 of 29:

Institute of Human Genetics, Clinical Exome/Genome Diagnostics Group, University Hospital Bonn
Classification: Pathogenic for CEP290-related ciliopathy. Last evaluated: 2023-11-30. Review status: criteria provided, single submitter. Criteria: ACMG Guidelines, 2015. Collection method: clinical testing. Allele origin: germline. Affected: yes. Not counted in ClinVar's aggregate classification.

Blueprint Genetics
Classification: Pathogenic for CEP290-related disorders. Last evaluated: 2023-11-29. Review status: criteria provided, single submitter. Criteria: ACMG Guidelines, 2015. Collection method: clinical testing. Allele origin: germline. Affected: yes. Observed: 5 variant alleles. Not counted in ClinVar's aggregate classification.

Women's Health and Genetics/Laboratory Corporation of America, LabCorp
Classification: Pathogenic for CEP290-related disorder. Last evaluated: 2023-02-17. Review status: criteria provided, single submitter. Criteria: LabCorp Variant Classification Summary - May 2015. Collection method: clinical testing. Allele origin: germline. Not counted in ClinVar's aggregate classification.
Comment: Variant summary: CEP290 c.4723A>T (p.Lys1575X) results in a premature termination codon, predicted to cause a truncation of the encoded protein or absence of the protein due to nonsense mediated decay, which are commonly known mechanisms for disease. Truncations downstream of this position have been classified as pathogenic by our laboratory. The variant allele was found at a frequency of 5.5e-05 in 216510 control chromosomes (gnomAD). c.4723A>T has been reported in the literature as a biallelic genotype in multiple individuals affected with CEP290-Related Disorders (e.g. Perrault_2007, Halbritter_2012). These data indicate that the variant is very likely to be associated with disease. To our knowledge, no experimental evidence demonstrating an impact on protein function has been reported. Twelve ClinVar submitters have assessed the variant since 2014: all have classified the variant as pathogenic. Based on the evidence outlined above, the variant was classified as pathogenic.

GeneDx
Classification: Pathogenic. Last evaluated: 2022-05-26. Review status: criteria provided, single submitter. Criteria: GeneDx Variant Classification Process June 2021. Collection method: clinical testing. Allele origin: germline. Affected: yes. Not counted in ClinVar's aggregate classification.
Comment: Nonsense variant predicted to result in protein truncation or nonsense mediated decay in a gene for which loss-of-function is a known mechanism of disease; Not observed at significant frequency in large population cohorts (gnomAD); This variant is associated with the following publications: (PMID: 17345604, 27104957, 28829391, 17964524, 20683928, 25920555, 28497568, 28559085, 31091803, 17564967, 26766544, 28181551, 26092869, 31734136, 32208788, 32865313, 34426522, 31589614, 29398085, 25525159)

Department of Pathology and Laboratory Medicine, Sinai Health System
Classification: Pathogenic for CEP290-related ciliopathy. Last evaluated: 2022-04-05. Review status: criteria provided, single submitter. Criteria: ACMG Guidelines, 2015. Collection method: research. Allele origin: germline. Not counted in ClinVar's aggregate classification.

Ocular Genomics Institute, Massachusetts Eye and Ear
Classification: Pathogenic for Leber congenital amaurosis 10. Last evaluated: 2021-04-08. Review status: criteria provided, single submitter. Criteria: ACMG Guidelines, 2015. Collection method: research. Allele origin: germline. Affected: yes. Not counted in ClinVar's aggregate classification.
Comment: Through a review of available evidence we were able to apply the following criteria: PVS1, PM2, PM3. Based on this evidence we have classified this variant as Pathogenic.

Centre for Mendelian Genomics, University Medical Centre Ljubljana
Classification: Pathogenic for Joubert syndrome 5. Last evaluated: 2020-01-08. Review status: criteria provided, single submitter. Criteria: ACMG Guidelines, 2015. Collection method: clinical testing. Allele origin: unknown. Affected: yes. Not counted in ClinVar's aggregate classification.
Comment: This variant was classified as: Pathogenic. The following ACMG criteria were applied in classifying this variant: PVS1,PS1,PM2.

Centre for Genomic Medicine, Manchester, Central Manchester University Hospitals
Classification: Pathogenic for Senior-Loken syndrome 6. Last evaluated: 2019-02-01. Review status: criteria provided, single submitter. Criteria: ACMG Guidelines, 2015. Collection method: clinical testing. Allele origin: germline. Affected: yes. Observed: 1 variant allele, 1 compound heterozygote. Not counted in ClinVar's aggregate classification.

ARUP Laboratories, Molecular Genetics and Genomics, ARUP Laboratories
Classification: Pathogenic. Last evaluated: 2017-03-08. Review status: criteria provided, single submitter. Criteria: ARUP Molecular Germline Variant Investigation Process. Collection method: clinical testing. Allele origin: germline. Not counted in ClinVar's aggregate classification.

UW Hindbrain Malformation Research Program, University of Washington
Classification: Pathogenic for Joubert syndrome 5. Last evaluated: 2015-02-23. Review status: criteria provided, single submitter. Criteria: Bachmann-Gagescu et al. (J Med Genet. 2015). Collection method: research. Allele origin: unknown. Affected: yes. Not counted in ClinVar's aggregate classification.

Centre for Mendelian Genomics, University Medical Centre Ljubljana
Classification: Pathogenic for Blindness. Last evaluated: 2015-02-02. Review status: criteria provided, single submitter. Criteria: ACMG Guidelines, 2015. Collection method: clinical testing. Allele origin: unknown. Affected: yes. Not counted in ClinVar's aggregate classification.

Institute of Human Genetics, Univ. Regensburg, Univ. Regensburg
Classification: Pathogenic for Retinal dystrophy. Last evaluated: 2015-01-01. Review status: criteria provided, single submitter. Criteria: ACMG Guidelines, 2015. Collection method: clinical testing. Allele origin: germline. Affected: yes. Not counted in ClinVar's aggregate classification.

Centre for Mendelian Genomics, University Medical Centre Ljubljana
Classification: Pathogenic for Central hypotonia; Molar tooth sign on MRI; Nystagmus. Last evaluated: 2016-03-07. Review status: no assertion criteria provided. Collection method: clinical testing. Allele origin: unknown. Affected: yes. Not counted in ClinVar's aggregate classification.

OMIM
Classification: Pathogenic for JOUBERT SYNDROME 5. Last evaluated: 2007-07-01. Review status: no assertion criteria provided. Collection method: literature only. Allele origin: germline. Not counted in ClinVar's aggregate classification.

OMIM
Classification: Pathogenic for LEBER CONGENITAL AMAUROSIS 10. Last evaluated: 2007-07-01. Review status: no assertion criteria provided. Collection method: literature only. Allele origin: germline. Not counted in ClinVar's aggregate classification.

Clinical Genetics DNA and cytogenetics Diagnostics Lab, Erasmus MC, Erasmus Medical Center
Classification: Pathogenic. Review status: no assertion criteria provided. Collection method: clinical testing. Allele origin: germline. Affected: yes. Study: VKGL Data-share Consensus. Not counted in ClinVar's aggregate classification.

Clinical Genetics, Academic Medical Center
Classification: Pathogenic. Review status: no assertion criteria provided. Collection method: clinical testing. Allele origin: germline. Affected: yes. Study: VKGL Data-share Consensus. Not counted in ClinVar's aggregate classification.

Genome Diagnostics Laboratory, Amsterdam University Medical Center
Classification: Pathogenic. Review status: no assertion criteria provided. Collection method: clinical testing. Allele origin: germline. Affected: yes. Study: VKGL Data-share Consensus. Not counted in ClinVar's aggregate classification.

Joint Genome Diagnostic Labs from Nijmegen and Maastricht, Radboudumc and MUMC+
Classification: Pathogenic. Review status: no assertion criteria provided. Collection method: clinical testing. Allele origin: germline. Affected: yes. Study: VKGL Data-share Consensus. Not counted in ClinVar's aggregate classification.

Literature cited by the submitters: PubMed 16909394 (cited by Labcorp Genetics (formerly Invitae), Labcorp); PubMed 17345604 (cited by 6 submitters); PubMed 20690115 (cited by Labcorp Genetics (formerly Invitae), Labcorp); PubMed 20683928 (cited by Labcorp Genetics (formerly Invitae), Labcorp and Ambry Genetics); PubMed 23188109 (cited by Labcorp Genetics (formerly Invitae), Labcorp and Women's Health and Genetics/Laboratory Corporation of America, LabCorp); PubMed 25920555 (cited by Labcorp Genetics (formerly Invitae), Labcorp); PubMed 26092869 (cited by 4 submitters); PubMed 28497568 (cited by 4 submitters); PubMed 28829391 (cited by 4 submitters); PubMed 29398085 (cited by 3 submitters); PubMed 33308271 (cited by Natera, Inc. and Ambry Genetics); PubMed 28559085 (cited by 3 submitters); PubMed 29518907 (cited by Ambry Genetics); PubMed 31091803 (cited by 3 submitters); PubMed 31734136 (cited by 3 submitters); PubMed 31816670 (cited by Ambry Genetics and Institute of Human Genetics, Univ. Regensburg, Univ. Regensburg); PubMed 32865313 (cited by Ambry Genetics and Institute of Human Genetics, Univ. Regensburg, Univ. Regensburg); PubMed 25525159 (cited by Ocular Genomics Institute, Massachusetts Eye and Ear and Institute of Human Genetics, Univ. Regensburg, Univ. Regensburg); PubMed 31589614 (cited by Institute of Human Genetics, Univ. Regensburg, Univ. Regensburg); PubMed 31964843 (cited by Institute of Human Genetics, Univ. Regensburg, Univ. Regensburg); PubMed 32208788 (cited by Institute of Human Genetics, Univ. Regensburg, Univ. Regensburg); PubMed 34426522 (cited by Institute of Human Genetics, Univ. Regensburg, Univ. Regensburg); PubMed 17564967 (cited by OMIM).